The following is an entry in ClinVar:

ClinVar aggregate classification (germline): Likely pathogenic/Likely risk allele. Review status: criteria provided, multiple submitters, no conflicts (2 of 4 stars). 2 submissions from 2 submitters: Likely pathogenic (1); Likely risk allele (1). Last evaluated 2020-02-01.

Conditions:
Renal cysts and diabetes syndrome (RCAD). Also called: Familial hypoplastic, glomerulocystic kidney; MATURITY-ONSET DIABETES OF THE YOUNG, TYPE 5. Identifiers: Orphanet 93111, MedGen C0431693, MONDO:0007669, OMIM 137920.
Maturity-onset diabetes of the young (MODY). Also called: Maturity onset diabetes mellitus in young. Identifiers: Orphanet 552, MedGen C0342276, MONDO:0018911, HP:0004904.

Submissions (2):

Molecular Biology Laboratory, Fundació Puigvert
Classification: Likely pathogenic for Renal cysts and diabetes syndrome. Last evaluated: 2020-02-01. Review status: criteria provided, single submitter. Criteria: ACMG Guidelines, 2015. Collection method: research. Allele origin: paternal. Affected: yes. Study: KidneyPanel_2020.

Clinical Genomics, Uppaluri K&H Personalized Medicine Clinic
Classification: Likely risk allele for Maturity-onset diabetes of the young. Review status: criteria provided, single submitter. Criteria: K & H Uppaluri Personalized Medicine Clinic Variant Classification & Assertion Criteria_Updated V.1. Collection method: research. Allele origin: unknown. Inheritance: Autosomal dominant inheritance.
Comment: HNF1B gene mutations are associated with early onset diabetes and pancreatic atrophy. It is also associated with multiple renal manifestations including renal cysts, Tubulointerstitial disease, glomerulocystic disease, renal hypoplasia, hypomagnesemia. However no sufficient evidence is found to ascertain the role of this particular variant rs2033692285, yet.

Literature cited by the submitters: PubMed 33532864 (cited by Molecular Biology Laboratory, Fundació Puigvert); PubMed 24897035 (cited by Clinical Genomics, Uppaluri K&H Personalized Medicine Clinic); PubMed 25536396 (cited by Clinical Genomics, Uppaluri K&H Personalized Medicine Clinic); PubMed 27615128 (cited by Clinical Genomics, Uppaluri K&H Personalized Medicine Clinic); PubMed 28215227 (cited by Clinical Genomics, Uppaluri K&H Personalized Medicine Clinic); PubMed 33434175 (cited by Clinical Genomics, Uppaluri K&H Personalized Medicine Clinic); PubMed 25741167 (cited by Clinical Genomics, Uppaluri K&H Personalized Medicine Clinic); PubMed 26340261 (cited by Clinical Genomics, Uppaluri K&H Personalized Medicine Clinic); PubMed 19639018 (cited by Clinical Genomics, Uppaluri K&H Personalized Medicine Clinic).

NM_000458.4(HNF1B):c.910A>G (p.Arg304Gly)

Gene: HNF1B (HNF1 homeobox B; minus strand). Cytogenetic location: 17q12.
Variant type: single nucleotide variant.
Coding change: c.910A>G on transcript NM_000458.4 (MANE Select); coding-DNA position 910, A replaced by G.
Protein change: p.Arg304Gly; replaces arginine 304 with glycine.
Molecular consequence: missense variant.
Genome position (GRCh38, 1-based): chr17:37,731,730, T>C on the plus strand (A>G on the coding strand, the complement: HNF1B is on the minus strand). VCF-style: chr17-37731730-T-C. GRCh37 (hg19) VCF-style: chr17-36091721-T-C.
Other names: c.832A>G, p.Arg278Gly (NM_001165923.4, NM_001304286.2); short protein forms R278G, R304G.
Identifiers: ClinVar variation 974389 (VCV000974389.2), dbSNP rs2033692285, ClinGen allele CA398746758.